The following is an entry in ClinVar:

NM_025137.4(SPG11):c.1602+10T>G

Gene: SPG11 (SPG11 vesicle trafficking associated, spatacsin; minus strand). Cytogenetic location: 15q21.1.
Variant type: single nucleotide variant.
Coding change: c.1602+10T>G on transcript NM_025137.4 (MANE Select); 10 bases into the intron after coding-DNA position 1602, T replaced by G.
Molecular consequence: intron variant.
Genome position (GRCh38, 1-based): chr15:44,648,856, A>C on the plus strand (T>G on the coding strand, the complement: SPG11 is on the minus strand). VCF-style: chr15-44648856-A-C. GRCh37 (hg19) VCF-style: chr15-44941054-A-C.
Other names: c.1602+10T>G (NM_001160227.2).
Identifiers: ClinVar variation 241591 (VCV000241591.17), dbSNP rs201535432, ClinGen allele CA7535513.

ClinVar aggregate classification (germline): Conflicting classifications of pathogenicity. Review status: criteria provided, conflicting classifications (1 of 4 stars). 7 submissions from 5 submitters: Uncertain significance (6); Likely benign (1). Last evaluated 2026-02-16.

Conditions:
SPG11-related disorder. Also called: SPG11-related condition.
Amyotrophic lateral sclerosis type 5 (ALS5). Also called: AMYOTROPHIC LATERAL SCLEROSIS 5, JUVENILE. Identifiers: Orphanet 300605, MedGen C1865864, MONDO:0011196, OMIM 602099.
Charcot-Marie-Tooth disease axonal type 2X. Also called: CHARCOT-MARIE-TOOTH DISEASE, AXONAL, AUTOSOMAL RECESSIVE, TYPE 2X; CHARCOT-MARIE-TOOTH NEUROPATHY, TYPE 2X. Identifiers: Orphanet 466775, MedGen C5569024, MONDO:0014726, OMIM 616668.
Hereditary spastic paraplegia 11. Also called: Spastic Paraplegia 11; SPASTIC PARAPLEGIA, AUTOSOMAL RECESSIVE, COMPLICATED, WITH THIN CORPUS CALLOSUM; SPASTIC PARAPLEGIA, AUTOSOMAL RECESSIVE, WITH MENTAL IMPAIRMENT AND THIN CORPUS CALLOSUM; Spastic paraplegia, mental retardation and thin corpus callosum; Nakamura Osame syndrome; Autosomal recessive hereditary spastic paraplegia, mental impairment, and thin corpus callosum. Identifiers: Orphanet 2822, MedGen C1858479, MONDO:0011445, OMIM 604360.

Allele frequency attached by ClinVar (database versions not stated): gnomAD 0.00008; TOPMed 0.00008; ESP Exome Variant Server 0.00023.
gnomAD v4.1: 165 of 1,613,708 alleles (0.01%); highest among the groups gnomAD compares: Non-Finnish European, 0.014%; no homozygotes.

Submissions (8):

PreventionGenetics, part of Exact Sciences
Classification: Uncertain significance for SPG11-related condition. Last evaluated: 2026-02-16. Review status: criteria provided, single submitter. Criteria: ACMG Guidelines, 2015. Collection method: clinical testing. Allele origin: germline.
Comment: The SPG11 c.1602+10T>G variant is predicted to interfere with splicing. This variant is predicted to activate a cryptic splice site in the intron, that if used would be predicted to result in an in-frame insertion of nine nucleotides (SpliceAI, Jaganathan et al. 2019. PubMed ID: 30661751). To our knowledge, this variant has not been reported in the literature. This variant is reported in 0.014% of alleles in individuals of European (non-Finnish) descent in gnomAD. Although we suspect that this variant may be benign, at this time, the clinical significance of this variant is uncertain due to the absence of conclusive functional and genetic evidence.

Labcorp Genetics (formerly Invitae), Labcorp
Classification: Likely benign for Hereditary spastic paraplegia 11. Last evaluated: 2026-01-27. Review status: criteria provided, single submitter. Criteria: Invitae Variant Classification Sherloc (09022015). Collection method: clinical testing. Allele origin: germline.

Women's Health and Genetics/Laboratory Corporation of America, LabCorp
Classification: Uncertain significance. Last evaluated: 2024-12-04. Review status: criteria provided, single submitter. Criteria: LabCorp Variant Classification Summary - May 2015. Collection method: clinical testing. Allele origin: germline.
Comment: Variant summary: SPG11 c.1602+10T>G alters a non-conserved nucleotide located at a position not widely known to affect splicing. Several computational tools predict a significant impact on normal splicing: Three predict the variant creates a 5' donor site. However, these predictions have yet to be confirmed by functional studies. The variant allele was found at a frequency of 6e-05 in 251406 control chromosomes. This frequency is not significantly higher than estimated for a pathogenic variant in SPG11 causing Hereditary Spastic Paraplegia, Type 11 (6e-05 vs 0.0011), allowing no conclusion about variant significance. To our knowledge, no occurrence of c.1602+10T>G in individuals affected with Hereditary Spastic Paraplegia, Type 11 and no experimental evidence demonstrating its impact on protein function have been reported. ClinVar contains an entry for this variant (Variation ID: 241591). Based on the evidence outlined above, the variant was classified as uncertain significance.

Mayo Clinic Laboratories, Mayo Clinic
Classification: Uncertain significance. Last evaluated: 2021-07-28. Review status: criteria provided, single submitter. Criteria: ACMG Guidelines, 2015. Collection method: clinical testing. Allele origin: germline.

Genome-Nilou Lab
Classification: Uncertain significance for Amyotrophic lateral sclerosis type 5. Review status: criteria provided, single submitter. Criteria: ACMG Guidelines, 2015. Collection method: clinical testing. Allele origin: germline.

Genome-Nilou Lab
Classification: Uncertain significance for Charcot-Marie-Tooth disease axonal type 2X. Review status: criteria provided, single submitter. Criteria: ACMG Guidelines, 2015. Collection method: clinical testing. Allele origin: germline.

Genome-Nilou Lab
Classification: Uncertain significance for Hereditary spastic paraplegia 11. Review status: criteria provided, single submitter. Criteria: ACMG Guidelines, 2015. Collection method: clinical testing. Allele origin: germline.

Dr. Peter K. Rogan Lab, Western University
No classification provided (evidence only). Condition: Gastric cancer. Review status: no classification provided. Collection method: in vitro. Allele origin: not applicable. Functional consequence: retained intron. Not counted in ClinVar's aggregate classification.